The following is an entry in ClinVar:

NM_020812.4(DOCK6):c.3173A>T (p.Asn1058Ile)

Gene: DOCK6 (dedicator of cytokinesis 6; minus strand). Cytogenetic location: 19p13.2.
Variant type: single nucleotide variant.
Coding change: c.3173A>T on transcript NM_020812.4 (MANE Select); coding-DNA position 3173, A replaced by T.
Protein change: p.Asn1058Ile; replaces asparagine 1058 with isoleucine.
Molecular consequence: missense variant.
Genome position (GRCh38, 1-based): chr19:11,222,802, T>A on the plus strand (A>T on the coding strand, the complement: DOCK6 is on the minus strand). VCF-style: chr19-11222802-T-A. GRCh37 (hg19) VCF-style: chr19-11333478-T-A.
Other names: c.3278A>T, p.Asn1093Ile (NM_001367830.1); short protein forms N1093I, N1058I.
Identifiers: ClinVar variation 2011580 (VCV002011580.4), dbSNP rs2079601394, ClinGen allele CA404090026.

ClinVar aggregate classification (germline): Uncertain significance (1 of 4 stars; one submission).

Allele frequency attached by ClinVar (database versions not stated): gnomAD exomes below 0.00001.
gnomAD v4.1: 2 of 1,588,618 alleles (0.00013%); highest among the groups gnomAD compares: East Asian, 0.0046%; no homozygotes.

Submission:

Labcorp Genetics (formerly Invitae), Labcorp
Classification: Uncertain significance. Last evaluated: 2022-06-27. Review status: criteria provided, single submitter. Criteria: Invitae Variant Classification Sherloc (09022015). Collection method: clinical testing. Allele origin: germline.
Comment: In summary, the available evidence is currently insufficient to determine the role of this variant in disease. Therefore, it has been classified as a Variant of Uncertain Significance. Algorithms developed to predict the effect of missense changes on protein structure and function are either unavailable or do not agree on the potential impact of this missense change (SIFT: "Deleterious"; PolyPhen-2: "Probably Damaging"; Align-GVGD: "Class C0"). This variant has not been reported in the literature in individuals affected with DOCK6-related conditions. This variant is not present in population databases (gnomAD no frequency). This sequence change replaces asparagine, which is neutral and polar, with isoleucine, which is neutral and non-polar, at codon 1058 of the DOCK6 protein (p.Asn1058Ile).